The following is an entry in ClinVar:

ClinVar aggregate classification (germline): Uncertain significance. Review status: criteria provided, single submitter (1 of 4 stars). 2 submissions from 2 submitters: Uncertain significance (1). 1 of the submissions does not count toward it. Last evaluated 2024-05-20.

Conditions:
IGFBP7-related disorder. Also called: IGFBP7-related condition.
Inborn genetic diseases. Identifiers: MedGen C0950123, MeSH D030342.

Allele frequency attached by ClinVar (database versions not stated): TOPMed 0.00003; gnomAD 0.00019; 1000 Genomes Project 0.00319; ExAC 0.00339; 1000 Genomes Project 30x 0.00344.
gnomAD v4.1: 591 of 1,557,532 alleles (0.038%); highest among the groups gnomAD compares: South Asian, 0.65%; 7 homozygotes.

Submissions (2):

Ambry Genetics
Classification: Uncertain significance for Inborn genetic diseases. Last evaluated: 2024-05-20. Review status: criteria provided, single submitter. Criteria: Ambry Variant Classification Scheme 2023. Collection method: clinical testing. Allele origin: germline.

PreventionGenetics, part of Exact Sciences
Classification: Likely benign for IGFBP7-related condition. Last evaluated: 2020-06-01. Review status: no assertion criteria provided. Collection method: clinical testing. Allele origin: germline. Not counted in ClinVar's aggregate classification.
Comment: This variant is classified as likely benign based on ACMG/AMP sequence variant interpretation guidelines (Richards et al. 2015 PMID: 25741868, with internal and published modifications).

NM_001553.3(IGFBP7):c.431G>A (p.Gly144Glu)

Genes: IGFBP7 (insulin like growth factor binding protein 7; minus strand), IGFBP7-AS1 (IGFBP7 antisense RNA 1; plus strand). Cytogenetic location: 4q12.
Variant type: single nucleotide variant.
Coding change: c.431G>A on transcript NM_001553.3 (MANE Select); coding-DNA position 431, G replaced by A.
Protein change: p.Gly144Glu; replaces glycine 144 with glutamic acid.
Molecular consequence: missense variant. On other transcripts: non-coding transcript variant (1).
Genome position (GRCh38, 1-based): chr4:57,109,921, C>T on the plus strand (G>A on the coding strand, the complement: IGFBP7 is on the minus strand). VCF-style: chr4-57109921-C-T. GRCh37 (hg19) VCF-style: chr4-57976087-C-T.
Other names: c.431G>A, p.Gly144Glu (NM_001253835.2); c.431G>A (NM_001553.1); short protein forms G144E.
Identifiers: ClinVar variation 3051631 (VCV003051631.3), dbSNP rs548051457, ClinGen allele CA2934089.